The following is an entry in ClinVar:

ClinVar aggregate classification (germline): Likely benign (1 of 4 stars; one submission).

Conditions:
LRRC45-related disorder. Also called: LRRC45-related condition.

Submission:

PreventionGenetics, part of Exact Sciences
Classification: Likely benign for LRRC45-related condition. Last evaluated: 2026-06-30. Review status: criteria provided, single submitter. Criteria: ACMG Guidelines, 2015. Collection method: clinical testing. Allele origin: germline.
Comment: This variant is classified as likely benign based on ACMG/AMP sequence variant interpretation guidelines (Richards et al. 2015 PMID: 25741868, with internal and published modifications).

NM_144999.4(LRRC45):c.162G>A (p.Leu54=)

Gene: LRRC45 (leucine rich repeat containing 45; plus strand). Cytogenetic location: 17q25.3.
Variant type: single nucleotide variant.
Coding change: c.162G>A on transcript NM_144999.4 (MANE Select); coding-DNA position 162, G replaced by A.
Protein change: p.Leu54=; no amino-acid change (leucine 54 retained).
Molecular consequence: synonymous variant.
Genome position (GRCh38, 1-based): chr17:82,023,805, G>A. VCF-style: chr17-82023805-G-A. GRCh37 (hg19) VCF-style: chr17-79981681-G-A.
Identifiers: ClinVar variation 4981732 (VCV004981732.1).